The following is an entry in ClinVar:

NM_152641.4(ARID2):c.124G>C (p.Gly42Arg)

Genes: ARID2 (AT-rich interaction domain 2; plus strand), LOC130007728 (ATAC-STARR-seq lymphoblastoid silent region 4376; plus strand). Cytogenetic location: 12q12.
Variant type: single nucleotide variant.
Coding change: c.124G>C on transcript NM_152641.4 (MANE Select); coding-DNA position 124, G replaced by C.
Protein change: p.Gly42Arg; replaces glycine 42 with arginine.
Molecular consequence: missense variant.
Genome position (GRCh38, 1-based): chr12:45,730,075, G>C. VCF-style: chr12-45730075-G-C. GRCh37 (hg19) VCF-style: chr12-46123858-G-C.
Other names: c.124G>C, p.Gly42Arg (NM_001347839.2); short protein forms G42R.
Identifiers: ClinVar variation 1706208 (VCV001706208.2), dbSNP rs2137959723, ClinGen allele CA384609162.

ClinVar aggregate classification (germline): Uncertain significance (1 of 4 stars; one submission).

Submission:

GeneDx
Classification: Uncertain significance. Last evaluated: 2022-03-16. Review status: criteria provided, single submitter. Criteria: GeneDx Variant Classification Process June 2021. Collection method: clinical testing. Allele origin: germline. Affected: yes.
Comment: Has not been previously published as pathogenic or benign to our knowledge; Not observed at significant frequency in large population cohorts (gnomAD); In silico analysis supports that this missense variant has a deleterious effect on protein structure/function